The following is an entry in ClinVar:

NM_006206.6(PDGFRA):c.2985C>T (p.Asn995=)

Gene: PDGFRA (platelet derived growth factor receptor alpha; plus strand). Cytogenetic location: 4q12.
Variant type: single nucleotide variant.
Coding change: c.2985C>T on transcript NM_006206.6 (MANE Select); coding-DNA position 2985, C replaced by T.
Protein change: p.Asn995=; no amino-acid change (asparagine 995 retained).
Molecular consequence: synonymous variant.
Genome position (GRCh38, 1-based): chr4:54,290,417, C>T. VCF-style: chr4-54290417-C-T. GRCh37 (hg19) VCF-style: chr4-55156584-C-T.
Other names: c.3060C>T, p.Asn1020= (NM_001347828.2); c.2985C>T, p.Asn995= (NM_001347829.2); c.3024C>T, p.Asn1008= (NM_001347830.2).
Identifiers: ClinVar variation 414497 (VCV000414497.17), dbSNP rs138801854, ClinGen allele CA2923005.

ClinVar aggregate classification (germline): Benign/Likely benign. Review status: criteria provided, multiple submitters, no conflicts (2 of 4 stars). 3 submissions from 3 submitters: Benign (1); Likely benign (2). Last evaluated 2026-06-18.

Conditions:
Polyps, multiple and recurrent inflammatory fibroid, gastrointestinal. Identifiers: MedGen C5193005, MONDO:0008285, OMIM 175510.
Hereditary cancer-predisposing syndrome. Also called: Neoplastic Syndromes, Hereditary; Hereditary Cancer Syndrome; Hereditary neoplastic syndrome; Tumor predisposition. Identifiers: Orphanet 140162, MedGen C0027672, MeSH D009386, MONDO:0015356.
Gastrointestinal stromal tumor. Also called: Gastrointestinal stroma tumor; Gastrointestinal stromal tumor, somatic. Identifiers: Orphanet 44890, MedGen C0238198, MeSH D046152, MONDO:0011719, OMIM 606764, HP:0100723.

Allele frequency attached by ClinVar (database versions not stated): TOPMed 0.00002; gnomAD 0.00004; gnomAD exomes 0.00004; ExAC 0.00005; ESP Exome Variant Server 0.00008.
gnomAD v4.1: 70 of 1,613,816 alleles (0.0043%); highest among the groups gnomAD compares: South Asian, 0.021%; no homozygotes.

Submissions (3):

Myriad Genetics, Inc.
Classification: Benign for Polyps, multiple and recurrent inflammatory fibroid, gastrointestinal. Last evaluated: 2026-06-18. Review status: criteria provided, single submitter. Criteria: Myriad Autosomal Dominant, Autosomal Recessive and X-Linked Classification Criteria (2023). Collection method: clinical testing. Allele origin: unknown.
Comment: This variant is considered benign. This variant is a silent/synonymous amino acid change and it is not expected to impact splicing.

Labcorp Genetics (formerly Invitae), Labcorp
Classification: Likely benign for Gastrointestinal stromal tumor. Last evaluated: 2025-12-08. Review status: criteria provided, single submitter. Criteria: Invitae Variant Classification Sherloc (09022015). Collection method: clinical testing. Allele origin: germline.

Ambry Genetics
Classification: Likely benign for Hereditary cancer-predisposing syndrome. Last evaluated: 2019-05-17. Review status: criteria provided, single submitter. Criteria: Ambry Variant Classification Scheme 2023. Collection method: clinical testing. Allele origin: germline.